The following is an entry in ClinVar:

NM_001384140.1(PCDH15):c.440T>G (p.Phe147Cys)

Gene: PCDH15 (protocadherin related 15; minus strand). Cytogenetic location: 10q21.1.
Variant type: single nucleotide variant.
Coding change: c.440T>G on transcript NM_001384140.1 (MANE Select); coding-DNA position 440, T replaced by G.
Protein change: p.Phe147Cys; replaces phenylalanine 147 with cysteine.
Molecular consequence: missense variant.
Genome position (GRCh38, 1-based): chr10:54,369,154, A>C on the plus strand (T>G on the coding strand, the complement: PCDH15 is on the minus strand). VCF-style: chr10-54369154-A-C. GRCh37 (hg19) VCF-style: chr10-56128914-A-C.
Other names: NM_001384140.1:c.440T>G; c.455T>G, p.Phe152Cys (NM_001142763.2, NM_001142769.4, NM_001142771.2); c.440T>G, p.Phe147Cys (NM_001142764.2, NM_001142765.2, NM_001142766.2 and 8 more transcripts); c.374T>G, p.Phe125Cys (NM_001142768.2, NM_001142773.2, NM_001354404.2); short protein forms F125C, F147C, F152C.
Identifiers: ClinVar variation 2412664 (VCV002412664.1), dbSNP rs747663842, ClinGen allele CA376542139.

ClinVar aggregate classification (germline): Uncertain significance (1 of 4 stars; one submission).

Conditions:
Usher syndrome type 1F (USH1F). Also called: USHER SYNDROME, TYPE IF. Identifiers: Orphanet 231169, Orphanet 886, MedGen C1865885, MONDO:0011186, OMIM 602083.

Allele frequency attached by ClinVar (database versions not stated): TOPMed below 0.00001.

Submission:

Broad Center for Mendelian Genomics, Broad Institute of MIT and Harvard
Classification: Uncertain significance for Usher syndrome type 1F. Last evaluated: 2023-01-24. Review status: criteria provided, single submitter. Criteria: ACMG Guidelines, 2015. Collection method: curation. Allele origin: germline. Inheritance: Autosomal recessive inheritance.
Comment: The p.Phe147Cys variant in PCDH15 has been reported in 1 individual with Usher syndrome type 1F (PMID: 27610647) and has been identified in 0.005% (1/18346) of East Asian chromosomes by the Genome Aggregation Database (gnomAD; dbSNP ID: rs747663842). Although this variant has been seen in the general population in a heterozygous state, its frequency is low enough to be consistent with a recessive carrier frequency. Computational prediction tools and conservation analyses suggest that this variant may impact the protein, though this information is not predictive enough to determine pathogenicity. In summary, the clinical significance of the p.Phe147Cys variant is uncertain. ACMG/AMP Criteria applied: PP3, PM2_supporting (Richards 2015).